The following is an entry in ClinVar:

ClinVar aggregate classification (germline): Likely benign. Review status: criteria provided, multiple submitters, no conflicts (2 of 4 stars). 3 submissions from 3 submitters: Likely benign (2). 1 of the submissions does not count toward it. Last evaluated 2025-10-02.

Conditions:
DNM2-related disorder. Also called: DNM2-related condition.
Charcot-Marie-Tooth disease dominant intermediate B (CMTDIB). Also called: CHARCOT-MARIE-TOOTH NEUROPATHY, DOMINANT INTERMEDIATE B; Charcot-Marie-Tooth disease dominant intermediate 1; CMT DI1; Charcot-Marie-Tooth disease dominant intermediate I. Identifiers: Orphanet 100044, Orphanet 228179, MedGen C1847902, MONDO:0011674, OMIM 606482.

Allele frequency attached by ClinVar (database versions not stated): TOPMed 0.00003.
gnomAD v4.1: 53 of 1,614,038 alleles (0.0033%); highest among the groups gnomAD compares: Middle Eastern, 0.016%; no homozygotes.

Submissions (3):

Labcorp Genetics (formerly Invitae), Labcorp
Classification: Likely benign for Charcot-Marie-Tooth disease dominant intermediate B. Last evaluated: 2025-10-02. Review status: criteria provided, single submitter. Criteria: Invitae Variant Classification Sherloc (09022015). Collection method: clinical testing. Allele origin: germline.

GeneDx
Classification: Likely benign. Last evaluated: 2017-10-04. Review status: criteria provided, single submitter. Criteria: GeneDx Variant Classification (06012015). Collection method: clinical testing. Allele origin: germline. Affected: yes.
Comment: This variant is considered likely benign or benign based on one or more of the following criteria: it is a conservative change, it occurs at a poorly conserved position in the protein, it is predicted to be benign by multiple in silico algorithms, and/or has population frequency not consistent with disease.

PreventionGenetics, part of Exact Sciences
Classification: Likely benign for DNM2-related condition. Last evaluated: 2019-02-22. Review status: no assertion criteria provided. Collection method: clinical testing. Allele origin: germline. Not counted in ClinVar's aggregate classification.
Comment: This variant is classified as likely benign based on ACMG/AMP sequence variant interpretation guidelines (Richards et al. 2015 PMID: 25741868, with internal and published modifications).

NM_001005361.3(DNM2):c.162-9C>G

Gene: DNM2 (dynamin 2; plus strand). Cytogenetic location: 19p13.2.
Variant type: single nucleotide variant.
Coding change: c.162-9C>G on transcript NM_001005361.3 (MANE Select); 9 bases into the intron before coding-DNA position 162, C replaced by G.
Molecular consequence: intron variant.
Genome position (GRCh38, 1-based): chr19:10,759,729, C>G. VCF-style: chr19-10759729-C-G. GRCh37 (hg19) VCF-style: chr19-10870405-C-G.
Other names: c.162-9C>G (NM_001005360.3, NM_001190716.2, NM_004945.4 and 1 more transcripts).
Identifiers: ClinVar variation 512505 (VCV000512505.7), dbSNP rs200736669, ClinGen allele CA9200714.
Genomic context (GRCh38, chr19:10,759,729, plus strand): 5'-ATGTGGTCACACTTCCTGCCCCTCGATCCGGACGCAAGAGTAATTTCTGTCCCTCTCCCC[C>G]CCTCACAGGGACTTCCTTCCCCGCGGTTCAGGAATCGTCACCCGGCGGCCTCTCATTCTG-3'